The following is an entry in ClinVar:

NM_004104.5(FASN):c.3967G>A (p.Gly1323Arg)

Gene: FASN (fatty acid synthase; minus strand). Cytogenetic location: 17q25.3.
Variant type: single nucleotide variant.
Coding change: c.3967G>A on transcript NM_004104.5 (MANE Select); coding-DNA position 3967, G replaced by A.
Protein change: p.Gly1323Arg; replaces glycine 1323 with arginine.
Molecular consequence: missense variant.
Genome position (GRCh38, 1-based): chr17:82,085,637, C>T on the plus strand (G>A on the coding strand, the complement: FASN is on the minus strand). VCF-style: chr17-82085637-C-T. GRCh37 (hg19) VCF-style: chr17-80043513-C-T.
Other names: c.3967G>A (NM_004104.4); short protein forms G1323R.
Identifiers: ClinVar variation 1436126 (VCV001436126.10), dbSNP rs377195488, ClinGen allele CA8852237.

ClinVar aggregate classification (germline): Uncertain significance. Review status: criteria provided, multiple submitters, no conflicts (2 of 4 stars). 2 submissions from 2 submitters: Uncertain significance (2). Last evaluated 2025-06-11.

Conditions:
Epileptic encephalopathy. Identifiers: MedGen C0543888, HP:0200134.

Allele frequency attached by ClinVar (database versions not stated): ESP Exome Variant Server 0.00008; gnomAD 0.00015 and 0.00017; TOPMed 0.00016.
gnomAD v4.1: 63 of 1,595,100 alleles (0.0039%); highest among the groups gnomAD compares: African/African-American, 0.036%; no homozygotes.

Submissions (2):

Ambry Genetics
Classification: Uncertain significance. Last evaluated: 2025-06-11. Review status: criteria provided, single submitter. Criteria: Ambry Variant Classification Scheme 2023. Collection method: clinical testing. Allele origin: germline.

Labcorp Genetics (formerly Invitae), Labcorp
Classification: Uncertain significance for Epileptic encephalopathy. Last evaluated: 2024-11-18. Review status: criteria provided, single submitter. Criteria: Invitae Variant Classification Sherloc (09022015). Collection method: clinical testing. Allele origin: germline.
Comment: This sequence change replaces glycine, which is neutral and non-polar, with arginine, which is basic and polar, at codon 1323 of the FASN protein (p.Gly1323Arg). This variant is present in population databases (rs377195488, gnomAD 0.05%). This variant has not been reported in the literature in individuals affected with FASN-related conditions. ClinVar contains an entry for this variant (Variation ID: 1436126). An algorithm developed to predict the effect of missense changes on protein structure and function outputs the following: PolyPhen-2: "Benign". The arginine amino acid residue is found in multiple mammalian species, which suggests that this missense change does not adversely affect protein function. In summary, the available evidence is currently insufficient to determine the role of this variant in disease. Therefore, it has been classified as a Variant of Uncertain Significance.